The following is an entry in ClinVar:

NM_000155.4(GALT):c.870del (p.Phe290fs)

Gene: GALT (galactose-1-phosphate uridylyltransferase; plus strand). Cytogenetic location: 9p13.3.
Variant type: Deletion.
Coding change: c.870del on transcript NM_000155.4 (MANE Select); coding-DNA position 870, one base deleted (T; older notation c.870delT).
Protein change: p.Phe290fs; shifts the reading frame from phenylalanine 290.
Molecular consequence: frameshift variant.
Genome position (GRCh38, 1-based): chr9:34,649,047, T deleted; the last of 3 consecutive T bases (chr9:34,649,045-34,649,047); deleting any one gives the same sequence. VCF-style (leftmost placement, unchanged base first): chr9-34649044-CT-C. GRCh37 (hg19) VCF-style: chr9-34649041-CT-C.
Other names: c.543del, p.Phe181fs (NM_001258332.2); short protein forms F181fs, F290fs.
Identifiers: ClinVar variation 4068277 (VCV004068277.2).

ClinVar aggregate classification (germline): Likely pathogenic (1 of 4 stars; one submission).

Conditions:
Galactosemia. Also called: Galactose intolerance. Identifiers: Orphanet 352, MedGen C0016952, MONDO:0018116, HP:0004919. Disease mechanism: loss of function.

Submission:

Natera, Inc.
Classification: Likely pathogenic for Galactosemia. Last evaluated: 2025-04-25. Review status: criteria provided, single submitter. Criteria: Natera Variant Classification Schema (03/2026). Collection method: clinical testing. Allele origin: germline.
Comment: The c.870del variant in GALT is a frameshift variant predicted to shift the reading frame beginning at codon 290 and leads to a stop codon 69 codons downstream. This variant is expected to result in nonsense mediated decay, truncation, or a dysfunctional protein product. This variant is rare in the general population with a frequency below the threshold expected for the associated phenotype(s). Given the available evidence, this variant is classified as Likely Pathogenic.